The following is an entry in ClinVar:

ClinVar aggregate classification (germline): Uncertain significance (1 of 4 stars; one submission).

Allele frequency attached by ClinVar (database versions not stated): gnomAD exomes below 0.00001.
gnomAD v4.1: 1 of 1,613,364 alleles (0.000062%); highest among the groups gnomAD compares: South Asian, 0.0011%; no homozygotes.

Submission:

Labcorp Genetics (formerly Invitae), Labcorp
Classification: Uncertain significance. Last evaluated: 2022-06-13. Review status: criteria provided, single submitter. Criteria: Invitae Variant Classification Sherloc (09022015). Collection method: clinical testing. Allele origin: germline.
Comment: In summary, the available evidence is currently insufficient to determine the role of this variant in disease. Therefore, it has been classified as a Variant of Uncertain Significance. Advanced modeling of protein sequence and biophysical properties (such as structural, functional, and spatial information, amino acid conservation, physicochemical variation, residue mobility, and thermodynamic stability) performed at Invitae indicates that this missense variant is not expected to disrupt SPTBN2 protein function. This variant has not been reported in the literature in individuals affected with SPTBN2-related conditions. This variant is not present in population databases (gnomAD no frequency). This sequence change replaces proline, which is neutral and non-polar, with serine, which is neutral and polar, at codon 2099 of the SPTBN2 protein (p.Pro2099Ser).

NM_006946.4(SPTBN2):c.6295C>T (p.Pro2099Ser)

Gene: SPTBN2 (spectrin beta, non-erythrocytic 2; minus strand). Cytogenetic location: 11q13.2.
Variant type: single nucleotide variant.
Coding change: c.6295C>T on transcript NM_006946.4 (MANE Select); coding-DNA position 6295, C replaced by T.
Protein change: p.Pro2099Ser; replaces proline 2099 with serine.
Molecular consequence: missense variant.
Genome position (GRCh38, 1-based): chr11:66,688,248, G>A on the plus strand (C>T on the coding strand, the complement: SPTBN2 is on the minus strand). VCF-style: chr11-66688248-G-A. GRCh37 (hg19) VCF-style: chr11-66455719-G-A.
Other names: short protein forms P2099S.
Identifiers: ClinVar variation 1495433 (VCV001495433.6), dbSNP rs2135309758, ClinGen allele CA381459077.
Genomic context (GRCh38, chr11:66,688,248, plus strand): 5'-AAGCTGTCTGGCCGCCCACCAGGTCCCCTGGAGGCACACTGGCTGTGGGTTCGGGAGCAG[G>A]CGGCTGTTTCCGCCGCTCCTCCTCCTCCCTCTTTCTCTTTCGCTCCTTCTCCCGCTCCTC-3'
Protein context (NP_008877.2, residues 2089-2109): REEEERRKQP[Pro2099Ser]APEPTASVPP